The following is an entry in ClinVar:

ClinVar aggregate classification (germline): Likely pathogenic (1 of 4 stars; one submission).

Conditions:
Neuronal ceroid lipofuscinosis. Also called: Neuronal Ceroid Lipofuscinoses. Identifiers: Orphanet 216, Orphanet 79263, MedGen C0027877, MONDO:0016295. Disease mechanism: loss of function.

Submission:

Labcorp Genetics (formerly Invitae), Labcorp
Classification: Likely pathogenic for Neuronal ceroid lipofuscinosis. Last evaluated: 2022-07-08. Review status: criteria provided, single submitter. Criteria: Invitae Variant Classification Sherloc (09022015). Collection method: clinical testing. Allele origin: germline.
Comment: This sequence change affects an acceptor splice site in intron 10 of the CLN3 gene. It is expected to disrupt RNA splicing. Variants that disrupt the donor or acceptor splice site typically lead to a loss of protein function (PMID: 16199547), and loss-of-function variants in CLN3 are known to be pathogenic (PMID: 9311735, 28542676). This variant is not present in population databases (gnomAD no frequency). This variant has not been reported in the literature in individuals affected with CLN3-related conditions. Algorithms developed to predict the effect of sequence changes on RNA splicing suggest that this variant may disrupt the consensus splice site. In summary, the currently available evidence indicates that the variant is pathogenic, but additional data are needed to prove that conclusively. Therefore, this variant has been classified as Likely Pathogenic.

Literature cited by the submitters: PubMed 16199547; PubMed 9311735; PubMed 28542676.

NM_001042432.2(CLN3):c.791-2A>G

Gene: CLN3 (CLN3 lysosomal/endosomal transmembrane protein, battenin; minus strand). Cytogenetic location: 16p12.1.
Variant type: single nucleotide variant.
Coding change: c.791-2A>G on transcript NM_001042432.2 (MANE Select); the canonical splice acceptor site of the intron before coding-DNA position 791, A replaced by G.
Molecular consequence: splice acceptor variant.
Genome position (GRCh38, 1-based): chr16:28,482,674, T>C on the plus strand (A>G on the coding strand, the complement: CLN3 is on the minus strand). VCF-style: chr16-28482674-T-C. GRCh37 (hg19) VCF-style: chr16-28493995-T-C.
Other names: c.557-2A>G (NM_001286109.2); c.719-2A>G (NM_001286104.2); c.491-2A>G (NM_001286105.2); c.629-2A>G (NM_001286110.2); c.791-2A>G (NM_000086.2).
Identifiers: ClinVar variation 2014980 (VCV002014980.4), dbSNP rs2506455682, ClinGen allele CA395344680.
Genomic context (GRCh38, chr16:28,482,674, plus strand): 5'-CATCATCCGAACCTTGAACACTGTCCACCTTTCCCGAAGGGAGAGGCTGGAGCTGGAGCC[T>C]GCAGGGGAACAGAGAGAGAAGGGCAGATGAAGTTTTCACACTGAAGACTCGGCAAAGAGG-3'